The following is an entry in ClinVar:

ClinVar aggregate classification (germline): Conflicting classifications of pathogenicity. Review status: criteria provided, conflicting classifications (1 of 4 stars). 4 submissions from 4 submitters: Uncertain significance (1); Likely benign (3). Last evaluated 2026-08-06.

Conditions:
MOCOS-related disorder. Also called: MOCOS-related condition.
Xanthinuria type II. Also called: Xanthine dehydrogenase and aldehyde oxidase combined deficiency of; XDH and AOX dual deficiency. Identifiers: Orphanet 3467, Orphanet 93602, MedGen C1863688, MONDO:0011346, OMIM 603592.

Allele frequency attached by ClinVar (database versions not stated): 1000 Genomes Project 0.00040; 1000 Genomes Project 30x 0.00062; TOPMed 0.00062; gnomAD exomes 0.00080; ExAC 0.00082; gnomAD 0.00090 and 0.00095; ESP Exome Variant Server 0.00108.
gnomAD v4.1: 1,430 of 1,613,984 alleles (0.089%); highest among the groups gnomAD compares: Non-Finnish European, 0.094%; 1 homozygote.

Submissions (4):

PreventionGenetics, part of Exact Sciences
Classification: Likely benign for MOCOS-related condition. Last evaluated: 2026-08-06. Review status: criteria provided, single submitter. Criteria: ACMG Guidelines, 2015. Collection method: clinical testing. Allele origin: germline.
Comment: This variant is classified as likely benign based on ACMG/AMP sequence variant interpretation guidelines (Richards et al. 2015 PMID: 25741868, with internal and published modifications).

Labcorp Genetics (formerly Invitae), Labcorp
Classification: Likely benign for Xanthinuria type II. Last evaluated: 2025-11-25. Review status: criteria provided, single submitter. Criteria: Invitae Variant Classification Sherloc (09022015). Collection method: clinical testing. Allele origin: germline.

Blueprint Genetics
Classification: Uncertain significance. Last evaluated: 2024-11-15. Review status: criteria provided, single submitter. Criteria: ACMG Guidelines, 2015. Collection method: clinical testing. Allele origin: germline.

Breakthrough Genomics
Classification: Likely benign. Review status: criteria provided, single submitter. Criteria: ACMG Guidelines, 2015. Collection method: not provided. Allele origin: germline. Inheritance: Autosomal recessive inheritance. Affected: yes.

NM_017947.4(MOCOS):c.218T>C (p.Met73Thr)

Gene: MOCOS (molybdenum cofactor sulfurase; plus strand). Cytogenetic location: 18q12.2.
Variant type: single nucleotide variant.
Coding change: c.218T>C on transcript NM_017947.4 (MANE Select); coding-DNA position 218, T replaced by C.
Protein change: p.Met73Thr; replaces methionine 73 with threonine.
Molecular consequence: missense variant.
Genome position (GRCh38, 1-based): chr18:36,195,332, T>C. VCF-style: chr18-36195332-T-C. GRCh37 (hg19) VCF-style: chr18-33775295-T-C.
Other names: short protein forms M73T.
Identifiers: ClinVar variation 728482 (VCV000728482.14), dbSNP rs116981654, ClinGen allele CA8940335.
Genomic context (GRCh38, chr18:36,195,332, plus strand): 5'-ACCATGCAGGTGCCACCTTGTTCTCCCAGAGCCAGCTCGAAAGCTTCACTAGTGATCTCA[T>C]GGAAAACACTTATGGTAAAGAAAAACACCTGAAACAGGTTTTAGTCAACTACATGCAGCT-3'
Protein context (NP_060417.4, residues 63-83): SQLESFTSDL[Met73Thr]ENTYGNPHSQ